The following is an entry in ClinVar:

NM_005876.5(SPEG):c.6040A>C (p.Ser2014Arg)

Genes: ASIC4-AS1 (ASIC4 antisense RNA 1; minus strand), SPEG (striated muscle enriched protein kinase; plus strand). Cytogenetic location: 2q35.
Variant type: single nucleotide variant.
Coding change: c.6040A>C on transcript NM_005876.5 (MANE Select); coding-DNA position 6040, A replaced by C.
Protein change: p.Ser2014Arg; replaces serine 2014 with arginine.
Molecular consequence: missense variant.
Genome position (GRCh38, 1-based): chr2:219,483,503, A>C. VCF-style: chr2-219483503-A-C. GRCh37 (hg19) VCF-style: chr2-220348225-A-C.
Other names: c.6040A>C (NM_005876.4); short protein forms S2014R.
Identifiers: ClinVar variation 2201678 (VCV002201678.2), dbSNP rs1000883349, ClinGen allele CA65990455.
Genomic context (GRCh38, chr2:219,483,503, plus strand): 5'-TCCCCAGGCCAGGAGCCCGCAGCTGGGGCTAGCCCCAGGCGGGGAGAGCTCCGCAGGGGC[A>C]GCTCGGCTGAGAGCGCCCTGCCCCGGGCCGGGCCGCGGGAGCTGGGCCGGGGCCTGCACA-3'
Protein context (NP_005867.3, residues 2004-2024): SPRRGELRRG[Ser2014Arg]SAESALPRAG

ClinVar aggregate classification (germline): Uncertain significance. Review status: criteria provided, multiple submitters, no conflicts (2 of 4 stars). 2 submissions from 2 submitters: Uncertain significance (2). Last evaluated 2022-06-20.

Conditions:
Inborn genetic diseases. Identifiers: MedGen C0950123, MeSH D030342.

Allele frequency attached by ClinVar (database versions not stated): gnomAD exomes 0.00001; gnomAD 0.00006; TOPMed 0.00009.
gnomAD v4.1: 43 of 1,422,400 alleles (0.003%); highest among the groups gnomAD compares: East Asian, 0.025%; no homozygotes.

Submissions (2):

Labcorp Genetics (formerly Invitae), Labcorp
Classification: Uncertain significance. Last evaluated: 2022-06-20. Review status: criteria provided, single submitter. Criteria: Invitae Variant Classification Sherloc (09022015). Collection method: clinical testing. Allele origin: germline.
Comment: This sequence change replaces serine, which is neutral and polar, with arginine, which is basic and polar, at codon 2014 of the SPEG protein (p.Ser2014Arg). This variant is present in population databases (no rsID available, gnomAD 0.02%). This variant has not been reported in the literature in individuals affected with SPEG-related conditions. Algorithms developed to predict the effect of missense changes on protein structure and function are either unavailable or do not agree on the potential impact of this missense change (SIFT: "Deleterious"; PolyPhen-2: "Benign"; Align-GVGD: "Class C0"). In summary, the available evidence is currently insufficient to determine the role of this variant in disease. Therefore, it has been classified as a Variant of Uncertain Significance.

Ambry Genetics
Classification: Uncertain significance for Inborn genetic diseases. Last evaluated: 2021-07-28. Review status: criteria provided, single submitter. Criteria: Ambry Variant Classification Scheme 2023. Collection method: clinical testing. Allele origin: germline.